The following is an entry in ClinVar:

NM_001042492.3(NF1):c.1235A>G (p.Asn412Ser)

Gene: NF1 (neurofibromin 1; plus strand). Cytogenetic location: 17q11.2.
Variant type: single nucleotide variant.
Coding change: c.1235A>G on transcript NM_001042492.3 (MANE Select); coding-DNA position 1235, A replaced by G.
Protein change: p.Asn412Ser; replaces asparagine 412 with serine.
Molecular consequence: missense variant.
Genome position (GRCh38, 1-based): chr17:31,201,460, A>G. VCF-style: chr17-31201460-A-G. GRCh37 (hg19) VCF-style: chr17-29528478-A-G.
Other names: c.1235A>G, p.Asn412Ser (NM_000267.4, NM_001128147.3); short protein forms N412S.
Identifiers: ClinVar variation 949487 (VCV000949487.12), dbSNP rs1567836090, ClinGen allele CA398997654.

ClinVar aggregate classification (germline): Conflicting classifications of pathogenicity. Review status: criteria provided, conflicting classifications (1 of 4 stars). 4 submissions from 4 submitters: Pathogenic (1); Likely pathogenic (2); Uncertain significance (1). Last evaluated 2026-10-22.

Conditions:
Neurofibromatosis, type 1 (NF1). Also called: NEUROFIBROMATOSIS, TYPE I, SOMATIC; Peripheral type neurofibromatosis; Neurofibromatosis, type I; VON RECKLINGHAUSEN DISEASE. Identifiers: Orphanet 636, MedGen C0027831, MONDO:0018975, OMIM 162200. Disease mechanism: loss of function.

Submissions (4):

GeneDx
Classification: Pathogenic. Last evaluated: 2026-10-22. Review status: criteria provided, single submitter. Criteria: GeneDx Variant Classification Process June 2021. Collection method: clinical testing. Allele origin: germline.
Comment: RNA studies demonstrate a damaging effect (PMID: 18546366); Not observed at significant frequency in large population cohorts (gnomAD); In silico analysis supports a deleterious effect on splicing; This variant is associated with the following publications: (PMID: 18546366, 37751797)

Labcorp Genetics (formerly Invitae), Labcorp
Classification: Uncertain significance for Neurofibromatosis, type 1. Last evaluated: 2022-11-12. Review status: criteria provided, single submitter. Criteria: Invitae Variant Classification Sherloc (09022015). Collection method: clinical testing. Allele origin: germline.
Comment: This sequence change replaces asparagine, which is neutral and polar, with serine, which is neutral and polar, at codon 412 of the NF1 protein (p.Asn412Ser). This variant is not present in population databases (gnomAD no frequency). This missense change has been observed in individual(s) with clinical features of neurofibromatosis type 1 (PMID: 18546366). ClinVar contains an entry for this variant (Variation ID: 949487). Advanced modeling of protein sequence and biophysical properties (such as structural, functional, and spatial information, amino acid conservation, physicochemical variation, residue mobility, and thermodynamic stability) has been performed at Invitae for this missense variant, however the output from this modeling did not meet the statistical confidence thresholds required to predict the impact of this variant on NF1 protein function. Algorithms developed to predict the effect of sequence changes on RNA splicing suggest that this variant may disrupt the consensus splice site. In summary, the available evidence is currently insufficient to determine the role of this variant in disease. Therefore, it has been classified as a Variant of Uncertain Significance.

Medical Genetics, University of Parma
Classification: Likely pathogenic for Neurofibromatosis, type 1. Last evaluated: 2022-08-17. Review status: criteria provided, single submitter. Criteria: ACMG Guidelines, 2015. Collection method: clinical testing. Allele origin: germline. Inheritance: Autosomal dominant inheritance. Affected: yes.

Clinical Genetics Service, Universitary Hospital 12 de Octubre
Classification: Likely pathogenic for Neurofibromatosis, type 1. Review status: criteria provided, single submitter. Criteria: ACMG Guidelines, 2015. Collection method: clinical testing. Allele origin: germline. Affected: yes.

Literature cited by the submitters: PubMed 18546366 (cited by Labcorp Genetics (formerly Invitae), Labcorp).